The following is an entry in ClinVar:

NM_001297.5(CNGB1):c.1854C>T (p.Ala618=)

Gene: CNGB1 (cyclic nucleotide gated channel subunit beta 1; minus strand). Cytogenetic location: 16q21.
Variant type: single nucleotide variant.
Coding change: c.1854C>T on transcript NM_001297.5 (MANE Select); coding-DNA position 1854, C replaced by T.
Protein change: p.Ala618=; no amino-acid change (alanine 618 retained).
Molecular consequence: synonymous variant.
Genome position (GRCh38, 1-based): chr16:57,919,202, G>A on the plus strand (C>T on the coding strand, the complement: CNGB1 is on the minus strand). VCF-style: chr16-57919202-G-A. GRCh37 (hg19) VCF-style: chr16-57953106-G-A.
Other names: c.1836C>T, p.Ala612= (NM_001286130.2).
Identifiers: ClinVar variation 320086 (VCV000320086.15), dbSNP rs572930933, ClinGen allele CA8083258.
Genomic context (GRCh38, chr16:57,919,202, plus strand): 5'-GGGGCGGTGTTTGAACTTGCAGCAGAGCATGTCGCAATAGTGCTCCTCTTCCACTGGCTC[G>A]GCTTCAGCGGGCTTTGTGTCTGGAGCTGGCTCTGGGGCTTTCTTGGCTGGGGCTGTGGGA-3'
Protein context (NP_001288.3, residues 608-628): EPAPDTKPAE[Ala618=]EPVEEEHYCD

ClinVar aggregate classification (germline): Conflicting classifications of pathogenicity. Review status: criteria provided, conflicting classifications (1 of 4 stars). 4 submissions from 4 submitters: Uncertain significance (1); Likely benign (3). Last evaluated 2026-05-22.

Conditions:
CNGB1-related disorder. Also called: CNGB1-related condition.
Retinitis pigmentosa (RP). Identifiers: Orphanet 791, MedGen C0035334, MeSH D012174, MONDO:0019200, OMIM 268000. Inheritance: Autosomal dominant, autosomal recessive and X linked inheritance.

Allele frequency attached by ClinVar (database versions not stated): gnomAD exomes 0.00013; 1000 Genomes Project 30x 0.00016; ExAC 0.00017; 1000 Genomes Project 0.00020; gnomAD 0.00023 and 0.00026; TOPMed 0.00041.
gnomAD v4.1: 94 of 1,614,172 alleles (0.0058%); highest among the groups gnomAD compares: African/African-American, 0.06%; 1 homozygote.

Submissions (4):

PreventionGenetics, part of Exact Sciences
Classification: Likely benign for CNGB1-related condition. Last evaluated: 2026-05-22. Review status: criteria provided, single submitter. Criteria: ACMG Guidelines, 2015. Collection method: clinical testing. Allele origin: germline.
Comment: This variant is classified as likely benign based on ACMG/AMP sequence variant interpretation guidelines (Richards et al. 2015 PMID: 25741868, with internal and published modifications).

Labcorp Genetics (formerly Invitae), Labcorp
Classification: Likely benign. Last evaluated: 2026-02-04. Review status: criteria provided, single submitter. Criteria: Invitae Variant Classification Sherloc (09022015). Collection method: clinical testing. Allele origin: germline.

Blueprint Genetics
Classification: Likely benign. Last evaluated: 2022-11-24. Review status: criteria provided, single submitter. Criteria: ACMG Guidelines, 2015. Collection method: clinical testing. Allele origin: germline.

Illumina Laboratory Services, Illumina
Classification: Uncertain significance for Retinitis pigmentosa. Last evaluated: 2018-01-13. Review status: criteria provided, single submitter. Criteria: ICSL Variant Classification Criteria 13 December 2019. Collection method: clinical testing. Allele origin: germline.